The following is an entry in ClinVar:

ClinVar aggregate classification (germline): Likely benign. Review status: criteria provided, multiple submitters, no conflicts (2 of 4 stars). 3 submissions from 3 submitters: Likely benign (3). Last evaluated 2018-06-16.

Allele frequency attached by ClinVar (database versions not stated): gnomAD exomes 0.00633 and 0.01089; 1000 Genomes Project 0.01558; TOPMed 0.01956; gnomAD 0.02029 and 0.01954; ExAC 0.01089; 1000 Genomes Project 30x 0.01593; ESP Exome Variant Server 0.02030.
gnomAD v4.1: 12,350 of 1,593,824 alleles (0.77%); highest among the groups gnomAD compares: African/African-American, 4.8%; 175 homozygotes.

Submissions (3):

GeneDx
Classification: Likely benign. Last evaluated: 2018-06-16. Review status: criteria provided, single submitter. Criteria: GeneDx Variant Classification (06012015). Collection method: clinical testing. Allele origin: germline. Affected: yes.
Comment: This variant is considered likely benign or benign based on one or more of the following criteria: it is a conservative change, it occurs at a poorly conserved position in the protein, it is predicted to be benign by multiple in silico algorithms, and/or has population frequency not consistent with disease.

Breakthrough Genomics
Classification: Likely benign. Review status: criteria provided, single submitter. Criteria: ACMG Guidelines, 2015. Collection method: not provided. Allele origin: germline. Inheritance: Autosomal recessive inheritance. Affected: yes.

PreventionGenetics, part of Exact Sciences
Classification: Likely benign. Review status: criteria provided, single submitter. Criteria: ACMG Guidelines, 2015. Collection method: clinical testing. Allele origin: germline.

NM_000289.6(PFKM):c.594-38G>A

Gene: PFKM (phosphofructokinase, muscle; plus strand). Cytogenetic location: 12q13.11.
Variant type: single nucleotide variant.
Coding change: c.594-38G>A on transcript NM_000289.6 (MANE Select); 38 bases into the intron before coding-DNA position 594, G replaced by A.
Molecular consequence: intron variant.
Genome position (GRCh38, 1-based): chr12:48,134,194, G>A. VCF-style: chr12-48134194-G-A. GRCh37 (hg19) VCF-style: chr12-48527977-G-A.
Other names: c.618-38G>A (NM_001354741.2); c.594-38G>A (NM_001354742.2, NM_001354743.2, NM_001354744.2 and 4 more transcripts); c.444-38G>A (NM_001354747.2, NM_001354748.2); c.807-38G>A (NM_001166686.2, NM_001354737.1, NM_001354739.1 and 1 more transcripts); c.903-38G>A (NM_001354736.1, NM_001354735.1); c.738-38G>A (NM_001354740.1); c.507-38G>A (NM_001354745.2).
Identifiers: ClinVar variation 255764 (VCV000255764.3), dbSNP rs41291963, ClinGen allele CA6537038.